The following is an entry in ClinVar:

NM_004795.4(KL):c.2768C>T (p.Pro923Leu)

Gene: KL (klotho; plus strand). Cytogenetic location: 13q13.1.
Variant type: single nucleotide variant.
Coding change: c.2768C>T on transcript NM_004795.4 (MANE Select); coding-DNA position 2768, C replaced by T.
Protein change: p.Pro923Leu; replaces proline 923 with leucine.
Molecular consequence: missense variant.
Genome position (GRCh38, 1-based): chr13:33,063,915, C>T. VCF-style: chr13-33063915-C-T. GRCh37 (hg19) VCF-style: chr13-33638052-C-T.
Other names: short protein forms P923L.
Identifiers: ClinVar variation 3013255 (VCV003013255.3), dbSNP rs748304951, ClinGen allele CA6944385.

ClinVar aggregate classification (germline): Uncertain significance (1 of 4 stars; one submission).

Allele frequency attached by ClinVar (database versions not stated): gnomAD exomes below 0.00001; ExAC 0.00001.
gnomAD v4.1: 8 of 1,614,172 alleles (0.0005%); highest among the groups gnomAD compares: Non-Finnish European, 0.00051%; no homozygotes.

Submission:

Labcorp Genetics (formerly Invitae), Labcorp
Classification: Uncertain significance. Last evaluated: 2024-01-10. Review status: criteria provided, single submitter. Criteria: Invitae Variant Classification Sherloc (09022015). Collection method: clinical testing. Allele origin: germline.
Comment: This sequence change replaces proline, which is neutral and non-polar, with leucine, which is neutral and non-polar, at codon 923 of the KL protein (p.Pro923Leu). This variant is present in population databases (rs748304951, gnomAD 0.0009%). This variant has not been reported in the literature in individuals affected with KL-related conditions. Advanced modeling of protein sequence and biophysical properties (such as structural, functional, and spatial information, amino acid conservation, physicochemical variation, residue mobility, and thermodynamic stability) performed at Invitae indicates that this missense variant is not expected to disrupt KL protein function with a negative predictive value of 80%. In summary, the available evidence is currently insufficient to determine the role of this variant in disease. Therefore, it has been classified as a Variant of Uncertain Significance.